The following is an entry in ClinVar:

ClinVar aggregate classification (germline): Uncertain significance (1 of 4 stars; one submission).

Conditions:
Epilepsy, familial adult myoclonic, 5 (EPEO5). Also called: CORTICAL MYOCLONIC TREMOR WITH EPILEPSY, FAMILIAL, 5. Identifiers: Orphanet 86814, MedGen C3809374, MONDO:0014167, OMIM 615400.

Allele frequency attached by ClinVar (database versions not stated): ExAC 0.00001; gnomAD exomes 0.00002 and 0.00009; TOPMed 0.00016; gnomAD 0.00017.
gnomAD v4.1: 62 of 1,613,512 alleles (0.0038%); highest among the groups gnomAD compares: Admixed American, 0.062%; no homozygotes.

Submission:

Labcorp Genetics (formerly Invitae), Labcorp
Classification: Uncertain significance for Epilepsy, familial adult myoclonic, 5. Last evaluated: 2024-10-22. Review status: criteria provided, single submitter. Criteria: Invitae Variant Classification Sherloc (09022015). Collection method: clinical testing. Allele origin: germline.
Comment: This sequence change falls in intron 22 of the CNTN2 gene. It does not directly change the encoded amino acid sequence of the CNTN2 protein. It affects a nucleotide within the consensus splice site. This variant is present in population databases (rs781436489, gnomAD 0.05%). This variant has not been reported in the literature in individuals affected with CNTN2-related conditions. ClinVar contains an entry for this variant (Variation ID: 649375). Variants that disrupt the consensus splice site are a relatively common cause of aberrant splicing (PMID: 17576681, 9536098). Algorithms developed to predict the effect of sequence changes on RNA splicing suggest that this variant is not likely to affect RNA splicing. In summary, the available evidence is currently insufficient to determine the role of this variant in disease. Therefore, it has been classified as a Variant of Uncertain Significance.

Literature cited by the submitters: PubMed 17576681; PubMed 9536098.

NM_005076.5(CNTN2):c.3013+6G>C

Genes: CNTN2 (contactin 2; plus strand), LOC126805985 (MED14-independent group 3 enhancer GRCh37_chr1:205041546-205042745; plus strand). Cytogenetic location: 1q32.1.
Variant type: single nucleotide variant.
Coding change: c.3013+6G>C on transcript NM_005076.5 (MANE Select); 6 bases into the intron after coding-DNA position 3013, G replaced by C.
Molecular consequence: intron variant.
Genome position (GRCh38, 1-based): chr1:205,073,242, G>C. VCF-style: chr1-205073242-G-C. GRCh37 (hg19) VCF-style: chr1-205042370-G-C.
Other names: c.3013+6G>C (NM_001346083.2).
Identifiers: ClinVar variation 649375 (VCV000649375.7), dbSNP rs781436489, ClinGen allele CA1351851.
Genomic context (GRCh38, chr1:205,073,242, plus strand): 5'-ACAGGGCCCGGAGGGGATGGGATCCCTGCAGAAGTCCACATCGTGAGGAATGGAGGTGCT[G>C]CTCCTCCCCTACCCTTATCCCCTCGAGAGATTCAGGATCCACCCAGATACCTGAGAGGAT-3'